The following is an entry in ClinVar:

NM_020831.6(MRTFA):c.2869C>A (p.Pro957Thr)

Gene: MRTFA (myocardin related transcription factor A; minus strand). Cytogenetic location: 22q13.1.
Variant type: single nucleotide variant.
Coding change: c.2869C>A on transcript NM_020831.6 (MANE Select); coding-DNA position 2869, C replaced by A.
Protein change: p.Pro957Thr; replaces proline 957 with threonine.
Molecular consequence: missense variant. On other transcripts: 3 prime UTR variant (1).
Genome position (GRCh38, 1-based): chr22:40,411,617, G>T on the plus strand (C>A on the coding strand, the complement: MRTFA is on the minus strand). VCF-style: chr22-40411617-G-T. GRCh37 (hg19) VCF-style: chr22-40807621-G-T.
Other names: c.2569C>A, p.Pro857Thr (NM_001282660.2); c.2719C>A, p.Pro907Thr (NM_001282661.3); c.*182C>A (NM_001282662.3); c.2674C>A, p.Pro892Thr (NM_001318139.2); short protein forms P957T, P892T, P907T, P857T.
Identifiers: ClinVar variation 2757914 (VCV002757914.3), dbSNP rs759268225, ClinGen allele CA411652179.

ClinVar aggregate classification (germline): Uncertain significance (1 of 4 stars; one submission).

gnomAD v4.1: 2 of 1,613,708 alleles (0.00012%); highest among the groups gnomAD compares: Non-Finnish European, 0.00017%; no homozygotes.

Submission:

Labcorp Genetics (formerly Invitae), Labcorp
Classification: Uncertain significance. Last evaluated: 2023-09-10. Review status: criteria provided, single submitter. Criteria: Invitae Variant Classification Sherloc (09022015). Collection method: clinical testing. Allele origin: germline.
Comment: This sequence change replaces proline, which is neutral and non-polar, with threonine, which is neutral and polar, at codon 857 of the MKL1 protein (p.Pro857Thr). This variant is not present in population databases (gnomAD no frequency). In summary, the available evidence is currently insufficient to determine the role of this variant in disease. Therefore, it has been classified as a Variant of Uncertain Significance. An algorithm developed to predict the effect of missense changes on protein structure and function (PolyPhen-2) suggests that this variant is likely to be disruptive. This variant has not been reported in the literature in individuals affected with MKL1-related conditions.